The following is an entry in ClinVar:

NM_007254.4(PNKP):c.639G>T (p.Leu213=)

Gene: PNKP (polynucleotide kinase 3'-phosphatase; minus strand). Cytogenetic location: 19q13.33.
Variant type: single nucleotide variant.
Coding change: c.639G>T on transcript NM_007254.4 (MANE Select); coding-DNA position 639, G replaced by T.
Protein change: p.Leu213=; no amino-acid change (leucine 213 retained).
Molecular consequence: synonymous variant.
Genome position (GRCh38, 1-based): chr19:49,864,069, C>A on the plus strand (G>T on the coding strand, the complement: PNKP is on the minus strand). VCF-style: chr19-49864069-C-A. GRCh37 (hg19) VCF-style: chr19-50367326-C-A.
Other names: c.639G>T (NM_007254.2).
Identifiers: ClinVar variation 2179974 (VCV002179974.5), dbSNP rs1041380358, ClinGen allele CA309496791.

ClinVar aggregate classification (germline): Uncertain significance. Review status: criteria provided, multiple submitters, no conflicts (2 of 4 stars). 2 submissions from 2 submitters: Uncertain significance (2). Last evaluated 2023-10-12.

Conditions:
Developmental and epileptic encephalopathy, 12 (DEE12). Identifiers: MedGen C3150988, MONDO:0013389, OMIM 613722.

Allele frequency attached by ClinVar (database versions not stated): TOPMed 0.00001.
gnomAD v4.1: 5 of 1,613,862 alleles (0.00031%); highest among the groups gnomAD compares: Admixed American, 0.0067%; no homozygotes.

Submissions (2):

Labcorp Genetics (formerly Invitae), Labcorp
Classification: Uncertain significance for Developmental and epileptic encephalopathy, 12. Last evaluated: 2023-10-12. Review status: criteria provided, single submitter. Criteria: Invitae Variant Classification Sherloc (09022015). Collection method: clinical testing. Allele origin: germline.
Comment: This sequence change affects codon 213 of the PNKP mRNA. It is a 'silent' change, meaning that it does not change the encoded amino acid sequence of the PNKP protein. This variant is present in population databases (no rsID available, gnomAD 0.009%). This variant has not been reported in the literature in individuals affected with PNKP-related conditions. ClinVar contains an entry for this variant (Variation ID: 2179974). Algorithms developed to predict the effect of sequence changes on RNA splicing suggest that this variant may create or strengthen a splice site. In summary, the available evidence is currently insufficient to determine the role of this variant in disease. Therefore, it has been classified as a Variant of Uncertain Significance.

GeneDx
Classification: Uncertain significance. Last evaluated: 2023-07-19. Review status: criteria provided, single submitter. Criteria: GeneDx Variant Classification Process June 2021. Collection method: clinical testing. Allele origin: germline. Affected: yes.
Comment: Not observed at significant frequency in large population cohorts (gnomAD); Has not been previously published as pathogenic or benign to our knowledge; In silico analysis suggests this variant may impact gene splicing. In the absence of RNA/functional studies, the actual effect of this sequence change is unknown.